The following is an entry in ClinVar:

ClinVar aggregate classification (germline): Uncertain significance (0 of 4 stars; one submission).

Conditions:
Pancreatic adenocarcinoma. Identifiers: MedGen C0281361, MONDO:0006047, HP:0006725.

Submission:

Labcorp Genetics (formerly Invitae), Labcorp
Classification: Uncertain significance for Pancreatic adenocarcinoma. Last evaluated: 2014-06-11. Review status: no assertion criteria provided. Collection method: clinical testing. Allele origin: germline.
Comment: The interpretation for this sequence variant was made by Invitae based on the ACMG guidelines.

NM_001166108.2(PALLD):c.1965-12905_1965-12891del

Gene: PALLD (palladin, cytoskeletal associated protein; plus strand). Cytogenetic location: 4q32.3.
Variant type: Deletion.
Coding change: c.1965-12905_1965-12891del on transcript NM_001166108.2 (MANE Select); 12905 bases into the intron before coding-DNA position 1965 through 12891 bases into the intron before coding-DNA position 1965, 15 bases deleted (CTCCAGCCCCAGCTC).
Molecular consequence: intron variant. On other transcripts: inframe deletion (1).
Genome position (GRCh38, 1-based): chr4:168,878,017-168,878,031, CTCCAGCCCCAGCTC deleted; deleting any 15 consecutive bases within chr4:168,878,016-168,878,031 gives the same sequence; the c. name uses the placement nearest the transcript's 3' end. VCF-style (leftmost placement, unchanged base first): chr4-168878015-GCCTCCAGCCCCAGCT-G. GRCh37 (hg19) VCF-style: chr4-169799166-GCCTCCAGCCCCAGCT-G.
Other names: c.126_140del, p.Pro45_Ser49del (NM_001166110.2); c.1965-12905_1965-12891del (NM_016081.4); c.819-12905_819-12891del (NM_001166109.2); c.-157-12905_-157-12891del (NM_001367570.1, NM_001367568.1, NM_001367567.1 and 1 more transcripts); c.125_139delCCT...GCT (NM_001166110.1).
Identifiers: ClinVar variation 135997 (VCV000135997.1), dbSNP rs587780754, ClinGen allele CA332724.